The following is an entry in ClinVar:

NM_203447.4(DOCK8):c.1111A>G (p.Ser371Gly)

Gene: DOCK8 (dedicator of cytokinesis 8; plus strand). Cytogenetic location: 9p24.3.
Variant type: single nucleotide variant.
Coding change: c.1111A>G on transcript NM_203447.4 (MANE Select); coding-DNA position 1111, A replaced by G.
Protein change: p.Ser371Gly; replaces serine 371 with glycine.
Molecular consequence: missense variant.
Genome position (GRCh38, 1-based): chr9:332,464, A>G. VCF-style: chr9-332464-A-G. GRCh37 (hg19) VCF-style: chr9-332464-A-G.
Other names: c.907A>G, p.Ser303Gly (NM_001190458.2, NM_001193536.2); short protein forms S303G, S371G.
Identifiers: ClinVar variation 857070 (VCV000857070.9), dbSNP rs1357893904, ClinGen allele CA372752243.

ClinVar aggregate classification (germline): Uncertain significance (1 of 4 stars; one submission).

Allele frequency attached by ClinVar (database versions not stated): gnomAD 0.00001; TOPMed 0.00001; gnomAD exomes below 0.00001.
gnomAD v4.1: 3 of 1,612,200 alleles (0.00019%); highest among the groups gnomAD compares: Non-Finnish European, 0.00017%; no homozygotes.

Submission:

Labcorp Genetics (formerly Invitae), Labcorp
Classification: Uncertain significance for Combined immunodeficiency due to DOCK8 deficiency. Last evaluated: 2022-03-10. Review status: criteria provided, single submitter. Criteria: Invitae Variant Classification Sherloc (09022015). Collection method: clinical testing. Allele origin: germline.
Comment: In summary, the available evidence is currently insufficient to determine the role of this variant in disease. Therefore, it has been classified as a Variant of Uncertain Significance. Algorithms developed to predict the effect of missense changes on protein structure and function output the following: SIFT: "Tolerated"; PolyPhen-2: "Benign"; Align-GVGD: "Class C0". The glycine amino acid residue is found in multiple mammalian species, which suggests that this missense change does not adversely affect protein function. ClinVar contains an entry for this variant (Variation ID: 857070). This variant has not been reported in the literature in individuals affected with DOCK8-related conditions. This variant is not present in population databases (gnomAD no frequency). This sequence change replaces serine, which is neutral and polar, with glycine, which is neutral and non-polar, at codon 371 of the DOCK8 protein (p.Ser371Gly).